The following is an entry in ClinVar:

NM_000059.4(BRCA2):c.3816_3819del (p.Met1272fs)

Gene: BRCA2 (BRCA2 DNA repair associated; plus strand). Cytogenetic location: 13q13.1.
Variant type: Deletion.
Coding change: c.3816_3819del on transcript NM_000059.4 (MANE Select); coding-DNA positions 3816 to 3819, 4 bases deleted (GTTT; older notation c.3816_3819delGTTT).
Protein change: p.Met1272fs; shifts the reading frame from methionine 1272.
Molecular consequence: frameshift variant. On other transcripts: non-coding transcript variant (1), intron variant (2).
Genome position (GRCh38, 1-based): chr13:32,338,171-32,338,174, GTTT deleted; deleting any 4 consecutive bases within chr13:32,338,170-32,338,174 gives the same sequence; the c. name uses the placement nearest the transcript's 3' end. VCF-style (leftmost placement, unchanged base first): chr13-32338169-ATGTT-A. GRCh37 (hg19) VCF-style: chr13-32912306-ATGTT-A.
Other names: c.3816_3819del, p.Met1272fs (NM_001406719.1, NM_001406720.1, NM_001432077.1); c.1909+4784_1909+4787del (NM_001406721.1); c.425-6387_425-6384del (NM_001406722.1); c.3816_3819delGTTT (NM_000059.4); short protein forms M1272fs.
Identifiers: ClinVar variation 3768253 (VCV003768253.1).
Genomic context (GRCh38, chr13:32,338,169, plus strand): 5'-TCTGCAGAGGTACATCCAATAAGTTTATCTTCAAGTAAATGTCATGATTCTGTTGTTTCA[ATGTT>A]TAAGATAGAAAATCATAATGATAAAACTGTAAGTGAAAAAAATAATAAATGCCAACTGAT-3'

ClinVar aggregate classification (germline): Pathogenic (1 of 4 stars; one submission).

Conditions:
Hereditary breast ovarian cancer syndrome. Also called: Hereditary breast and/or ovarian cancer syndrome; Hereditary breast and ovarian cancer; BRCA1- and BRCA2-Associated Hereditary Breast and Ovarian Cancer; Hereditary breast and ovarian cancer syndrome; Hereditary breast and ovarian cancer syndrome (HBOC); Breast and ovarian cancer. Identifiers: Orphanet 145, MedGen C0677776, MeSH D061325, MONDO:0003582. Disease mechanism: loss of function.

Submission:

Women's Health and Genetics/Laboratory Corporation of America, LabCorp
Classification: Pathogenic for Hereditary breast ovarian cancer syndrome. Last evaluated: 2024-12-05. Review status: criteria provided, single submitter. Criteria: LabCorp Variant Classification Summary - May 2015. Collection method: clinical testing. Allele origin: germline.
Comment: Variant summary: BRCA2 c.3816_3819delGTTT (p.Met1272IlefsX3) results in a premature termination codon, predicted to cause a truncation of the encoded protein or absence of the protein due to nonsense mediated decay, which are commonly known mechanisms for disease. The variant was absent in 225816 control chromosomes. To our knowledge, no occurrence of c.3816_3819delGTTT in individuals affected with Hereditary Breast And Ovarian Cancer Syndrome and no experimental evidence demonstrating its impact on protein function have been reported. No submitters have cited clinical-significance assessments for this variant to ClinVar. Based on the evidence outlined above, the variant was classified as pathogenic.